The following is an entry in ClinVar:

ClinVar aggregate classification (germline): Likely benign (1 of 4 stars; one submission).

Submission:

CeGaT Center for Human Genetics Tuebingen
Classification: Likely benign. Last evaluated: 2022-11-01. Review status: criteria provided, single submitter. Criteria: CeGaT Center For Human Genetics Tuebingen Variant Classification Criteria Version 2. Collection method: clinical testing. Allele origin: germline. Affected: yes. Observed: 1 variant allele.
Comment: SP8: PM2:Supporting, BP4, BP7

NM_182700.6(SP8):c.285G>T (p.Ala95=)

Gene: SP8 (Sp8 transcription factor; minus strand). Cytogenetic location: 7p21.1.
Variant type: single nucleotide variant.
Coding change: c.285G>T on transcript NM_182700.6 (MANE Select); coding-DNA position 285, G replaced by T.
Protein change: p.Ala95=; no amino-acid change (alanine 95 retained).
Molecular consequence: synonymous variant.
Genome position (GRCh38, 1-based): chr7:20,785,532, C>A on the plus strand (G>T on the coding strand, the complement: SP8 is on the minus strand). VCF-style: chr7-20785532-C-A. GRCh37 (hg19) VCF-style: chr7-20825151-C-A.
Other names: c.231G>T, p.Ala77= (NM_198956.4).
Identifiers: ClinVar variation 2657338 (VCV002657338.24), dbSNP rs745408431, ClinGen allele CA454137780.